The following is an entry in ClinVar:

ClinVar aggregate classification (germline): Conflicting classifications of pathogenicity. Review status: criteria provided, conflicting classifications (1 of 4 stars). 6 submissions from 6 submitters: Likely pathogenic (1); Uncertain significance (3); Benign (1). 1 of the submissions does not count toward it. Last evaluated 2024-08-13.

Conditions:
Mucopolysaccharidosis, MPS-III-A (MPS3A). Also called: MUCOPOLYSACCHARIDOSIS, TYPE IIIA, ATTENUATED; Mucopolysaccharidosis type IIIA (Sanfilippo A); mucopolysaccharidosis type 3A; MPS IIIA (Sanfilippo Syndrome Type A); MPS III A; HEPARAN SULFATE SULFATASE DEFICIENCY. Identifiers: Orphanet 581, Orphanet 79269, MedGen C0086647, MONDO:0009655, OMIM 252900.
Mucopolysaccharidosis, MPS-II (MPS2). Also called: IDS deficiency; Sulfoiduronate sulfatase deficiency; SIDS deficiency; Attenuated MPS (subtype; formerly known as mild MPS II); Severe MPS II; I2S deficiency. Identifiers: Orphanet 580, Orphanet 79388, MedGen C0026705, MONDO:0010674, OMIM 309900.

Allele frequency attached by ClinVar (database versions not stated): gnomAD 0.00004 and 0.00006; gnomAD exomes 0.00009; 1000 Genomes Project 30x 0.00042; TOPMed 0.00003; ExAC 0.00006; 1000 Genomes Project 0.00053.

Submissions (6):

Labcorp Genetics (formerly Invitae), Labcorp
Classification: Benign for Mucopolysaccharidosis, MPS-II. Last evaluated: 2024-08-13. Review status: criteria provided, single submitter. Criteria: Invitae Variant Classification Sherloc (09022015). Collection method: clinical testing. Allele origin: germline.

Laboratory of Diagnosis and Therapy of Lysosomal Disorders, University of Padova
Classification: Likely pathogenic for Mucopolysaccharidosis, MPS-II. Last evaluated: 2024-06-07. Review status: criteria provided, single submitter. Criteria: ACMG Guidelines, 2015. Collection method: literature only. Allele origin: germline. Affected: yes. Observed: 1 variant allele.
Comment: Absent from controls (or at low frequency) in gnomAD database (PM2_Moderate), Missense variant in a gene with a low rate of benign missense variation (PP2_Supporting), Multiple lines of computational evidence support a deleterious effect (PP3_Supporting), Patient’s phenotype or family history highly specific for the disease (PP4_Strong)

Classification method: ACMG Guidelines [PMID:25741868] with modifications

Revvity Omics, Revvity
Classification: Uncertain significance for Mucopolysaccharidosis, MPS-II. Last evaluated: 2023-08-15. Review status: criteria provided, single submitter. Criteria: ACMG Guidelines, 2015. Collection method: clinical testing. Allele origin: germline.

Genome-Nilou Lab
Classification: Uncertain significance for Mucopolysaccharidosis, MPS-II. Last evaluated: 2021-09-05. Review status: criteria provided, single submitter. Criteria: ACMG Guidelines, 2015. Collection method: clinical testing. Allele origin: germline. Affected: no.

Eurofins Ntd Llc (ga)
Classification: Uncertain significance. Last evaluated: 2016-03-14. Review status: criteria provided, single submitter. Criteria: EGL Classification Definitions 2015. Collection method: clinical testing. Allele origin: germline. Observed: 1 variant allele, 1 heterozygote.

Natera, Inc.
Classification: Likely benign for Mucopolysaccharidosis type IIIA. Last evaluated: 2020-01-15. Review status: no assertion criteria provided. Collection method: clinical testing. Allele origin: germline. Not counted in ClinVar's aggregate classification.

Literature cited by the submitters: PubMed 36945845 (cited by Laboratory of Diagnosis and Therapy of Lysosomal Disorders, University of Padova).

NM_000202.8(IDS):c.301C>T (p.Arg101Cys)

Gene: IDS (iduronate 2-sulfatase; minus strand). Cytogenetic location: Xq28.
Variant type: single nucleotide variant.
Coding change: c.301C>T on transcript NM_000202.8 (MANE Select); coding-DNA position 301, C replaced by T.
Protein change: p.Arg101Cys; replaces arginine 101 with cysteine.
Molecular consequence: missense variant. On other transcripts: non-coding transcript variant (1).
Genome position (GRCh38, 1-based): chrX:149,503,429, G>A on the plus strand (C>T on the coding strand, the complement: IDS is on the minus strand). VCF-style: chrX-149503429-G-A. GRCh37 (hg19) VCF-style: chrX-148584959-G-A.
Other names: c.31C>T, p.Arg11Cys (NM_001166550.4); c.301C>T, p.Arg101Cys (NM_006123.5); short protein forms R101C, R11C.
Identifiers: ClinVar variation 286895 (VCV000286895.21), dbSNP rs782738754, ClinGen allele CA10537707.